The following is an entry in ClinVar:

NM_018429.3(BDP1):c.1963G>A (p.Val655Met)

Gene: BDP1 (BDP1 general transcription factor IIIB subunit; plus strand). Cytogenetic location: 5q13.2.
Variant type: single nucleotide variant.
Coding change: c.1963G>A on transcript NM_018429.3 (MANE Select); coding-DNA position 1963, G replaced by A.
Protein change: p.Val655Met; replaces valine 655 with methionine.
Molecular consequence: missense variant.
Genome position (GRCh38, 1-based): chr5:71,501,568, G>A. VCF-style: chr5-71501568-G-A. GRCh37 (hg19) VCF-style: chr5-70797395-G-A.
Other names: c.1963G>A (NM_018429.2); short protein forms V655M.
Identifiers: ClinVar variation 4970662 (VCV004970662.2).
Genomic context (GRCh38, chr5:71,501,568, plus strand): 5'-AAAGTTTGAACTGTTTATTGTAAGTAGATAAATTGTAGCAAATTAAATTCACAGAACCAC[G>A]TGGAAAAAGATAAAATGAATACATTGGACATTTTGAGAATGGAGACTACAGAGAGAGAGA-3'
Protein context (NP_060899.2, residues 645-665): HSKTSVEKNH[Val655Met]EKDKMNTLDI

ClinVar aggregate classification (germline): Conflicting classifications of pathogenicity. Review status: criteria provided, conflicting classifications (1 of 4 stars). 2 submissions from 2 submitters: Uncertain significance (1); Likely benign (1). Last evaluated 2025-11-24.

Conditions:
BDP1-related disorder. Also called: BDP1-related condition.

gnomAD v4.1: 320 of 1,575,380 alleles (0.02%); highest among the groups gnomAD compares: Admixed American, 0.11%; no homozygotes.

Submissions (2):

PreventionGenetics, part of Exact Sciences
Classification: Uncertain significance for BDP1-related condition. Last evaluated: 2025-11-24. Review status: criteria provided, single submitter. Criteria: ACMG Guidelines, 2015. Collection method: clinical testing. Allele origin: germline.
Comment: The BDP1 c.1963G>A variant is predicted to result in the amino acid substitution p.Val655Met. To our knowledge, this variant has not been reported in the literature. This variant is reported in 0.089% of alleles in individuals of Latino descent in gnomAD. Although we suspect that this variant may be benign, at this time, the clinical significance of this variant is uncertain due to the absence of conclusive functional and genetic evidence.

Blueprint Genetics
Classification: Likely benign. Last evaluated: 2024-10-14. Review status: criteria provided, single submitter. Criteria: ACMG Guidelines, 2015. Collection method: clinical testing. Allele origin: germline.